The following is an entry in ClinVar:

NM_003242.6(TGFBR2):c.1193T>C (p.Phe398Ser)

Gene: TGFBR2 (transforming growth factor beta receptor 2; plus strand). Cytogenetic location: 3p24.1.
Variant type: single nucleotide variant.
Coding change: c.1193T>C on transcript NM_003242.6 (MANE Select); coding-DNA position 1193, T replaced by C.
Protein change: p.Phe398Ser; replaces phenylalanine 398 with serine.
Molecular consequence: missense variant.
Genome position (GRCh38, 1-based): chr3:30,672,376, T>C. VCF-style: chr3-30672376-T-C. GRCh37 (hg19) VCF-style: chr3-30713868-T-C.
Other names: c.1268T>C, p.Phe423Ser (NM_001024847.3); c.1376T>C, p.Phe459Ser (NM_001407126.1); c.1301T>C, p.Phe434Ser (NM_001407127.1); c.1220T>C, p.Phe407Ser (NM_001407128.1); c.1196T>C, p.Phe399Ser (NM_001407129.1); c.1193T>C, p.Phe398Ser (NM_001407130.1); c.1088T>C, p.Phe363Ser (NM_001407132.1, NM_001407133.1, NM_001407134.1 and 2 more transcripts); c.908T>C, p.Phe303Ser (NM_001407137.1); and 1 more; short protein forms F398S, F423S, F399S, F363S, F407S, F434S, F459S, F278S.
Identifiers: ClinVar variation 1000155 (VCV001000155.6), dbSNP rs1699359959, ClinGen allele CA351808735.

ClinVar aggregate classification (germline): Uncertain significance (1 of 4 stars; one submission).

Conditions:
Familial thoracic aortic aneurysm and aortic dissection (TAAD). Also called: Thoracic aortic aneurysms and dissections. Identifiers: Orphanet 91387, MedGen C4707243, MONDO:0019625.

Submission:

Labcorp Genetics (formerly Invitae), Labcorp
Classification: Uncertain significance for Familial thoracic aortic aneurysm and aortic dissection. Last evaluated: 2020-07-12. Review status: criteria provided, single submitter. Criteria: Invitae Variant Classification Sherloc (09022015). Collection method: clinical testing. Allele origin: germline.
Comment: This variant has been observed in individual(s) with clinical features of Loeys-Dietz syndrome (PMID: 27017362). This variant is also known as c.1268T>C (p.Phe423Ser) in the literature. This sequence change replaces phenylalanine with serine at codon 398 of the TGFBR2 protein (p.Phe398Ser). The phenylalanine residue is highly conserved and there is a large physicochemical difference between phenylalanine and serine. This variant is not present in population databases (ExAC no frequency). Algorithms developed to predict the effect of missense changes on protein structure and function (SIFT, PolyPhen-2, Align-GVGD) all suggest that this variant is likely to be disruptive, but these predictions have not been confirmed by published functional studies and their clinical significance is uncertain. In summary, the available evidence is currently insufficient to determine the role of this variant in disease. Therefore, it has been classified as a Variant of Uncertain Significance.

Literature cited by the submitters: PubMed 27017362.